The following is an entry in ClinVar:

ClinVar aggregate classification (germline): Uncertain significance (1 of 4 stars; one submission).

Conditions:
Immunodeficiency 132A. Also called: Herpes simplex encephalitis, susceptibility to, 3. Identifiers: Orphanet 1930, MedGen C3553868, MONDO:0013920, OMIM 614849.

gnomAD v4.1: 4 of 1,614,034 alleles (0.00025%); highest among the groups gnomAD compares: Non-Finnish European, 0.00034%; no homozygotes.

Submission:

Labcorp Genetics (formerly Invitae), Labcorp
Classification: Uncertain significance for Immunodeficiency 132A. Last evaluated: 2025-12-13. Review status: criteria provided, single submitter. Criteria: Invitae Variant Classification Sherloc (09022015). Collection method: clinical testing. Allele origin: germline.
Comment: This sequence change replaces histidine, which is basic and polar, with tyrosine, which is neutral and polar, at codon 142 of the TRAF3 protein (p.His142Tyr). This variant is not present in population databases (gnomAD no frequency). This variant has not been reported in the literature in individuals affected with TRAF3-related conditions. An algorithm developed to predict the effect of missense changes on protein structure and function (PolyPhen-2) suggests that this variant is likely to be tolerated. In summary, the available evidence is currently insufficient to determine the role of this variant in disease. Therefore, it has been classified as a Variant of Uncertain Significance.

NM_145725.3(TRAF3):c.424C>T (p.His142Tyr)

Gene: TRAF3 (TNF receptor associated factor 3; plus strand). Cytogenetic location: 14q32.32.
Variant type: single nucleotide variant.
Coding change: c.424C>T on transcript NM_145725.3 (MANE Select); coding-DNA position 424, C replaced by T.
Protein change: p.His142Tyr; replaces histidine 142 with tyrosine.
Molecular consequence: missense variant.
Genome position (GRCh38, 1-based): chr14:102,876,379, C>T. VCF-style: chr14-102876379-C-T. GRCh37 (hg19) VCF-style: chr14-103342716-C-T.
Other names: c.424C>T, p.His142Tyr (NM_001199427.2, NM_001385142.1, NM_001385143.1 and 2 more transcripts); short protein forms H142Y.
Identifiers: ClinVar variation 4751319 (VCV004751319.1).
Genomic context (GRCh38, chr14:102,876,379, plus strand): 5'-TTTTTCCCAATTAAGAACATTGAATGGTCTGTCTTACAGGTGCATTTAAAAAATGATTGC[C>T]ATTTTGAAGAACTTCCATGTGTGCGTCCTGACTGCAAAGAAAAGGTCTTGAGGAAAGACC-3'
Protein context (NP_663777.1, residues 132-152): HLLVHLKNDC[His142Tyr]FEELPCVRPD